The following is an entry in ClinVar:

NM_001134407.3(GRIN2A):c.4096C>A (p.Pro1366Thr)

Gene: GRIN2A (glutamate ionotropic receptor NMDA type subunit 2A; minus strand). Cytogenetic location: 16p13.2.
Variant type: single nucleotide variant.
Coding change: c.4096C>A on transcript NM_001134407.3 (MANE Select); coding-DNA position 4096, C replaced by A.
Protein change: p.Pro1366Thr; replaces proline 1366 with threonine.
Molecular consequence: missense variant. On other transcripts: intron variant (1).
Genome position (GRCh38, 1-based): chr16:9,763,448, G>T on the plus strand (C>A on the coding strand, the complement: GRIN2A is on the minus strand). VCF-style: chr16-9763448-G-T. GRCh37 (hg19) VCF-style: chr16-9857305-G-T.
Other names: c.4096C>A, p.Pro1366Thr (NM_000833.5); c.3773-20C>A (NM_001134408.2); short protein forms P1366T.
Identifiers: ClinVar variation 3624247 (VCV003624247.2).

ClinVar aggregate classification (germline): Uncertain significance (1 of 4 stars; one submission).

Conditions:
Landau-Kleffner syndrome (FESD). Also called: EPILEPSY, FOCAL, WITH SPEECH DISORDER AND WITH OR WITHOUT MENTAL RETARDATION; APHASIA, ACQUIRED, WITH EPILEPSY. Identifiers: Orphanet 1945, Orphanet 725, Orphanet 98818, MedGen C0282512, MONDO:0009509, OMIM 245570.

Submission:

Labcorp Genetics (formerly Invitae), Labcorp
Classification: Uncertain significance for Landau-Kleffner syndrome. Last evaluated: 2024-05-16. Review status: criteria provided, single submitter. Criteria: Invitae Variant Classification Sherloc (09022015). Collection method: clinical testing. Allele origin: germline.
Comment: This sequence change replaces proline, which is neutral and non-polar, with threonine, which is neutral and polar, at codon 1366 of the GRIN2A protein (p.Pro1366Thr). This variant is not present in population databases (gnomAD no frequency). This variant has not been reported in the literature in individuals affected with GRIN2A-related conditions. Advanced modeling of protein sequence and biophysical properties (such as structural, functional, and spatial information, amino acid conservation, physicochemical variation, residue mobility, and thermodynamic stability) has been performed at Invitae for this missense variant, however the output from this modeling did not meet the statistical confidence thresholds required to predict the impact of this variant on GRIN2A protein function. In summary, the available evidence is currently insufficient to determine the role of this variant in disease. Therefore, it has been classified as a Variant of Uncertain Significance.